The following is an entry in ClinVar:

ClinVar aggregate classification (germline): Benign/Likely benign. Review status: criteria provided, multiple submitters, no conflicts (2 of 4 stars). 3 submissions from 2 submitters: Benign (1); Likely benign (2). Last evaluated 2018-01-13.

Conditions:
Tuberous sclerosis 1 (TSC1). Identifiers: Orphanet 805, MedGen C1854465, MONDO:0008612, OMIM 191100.
Isolated focal cortical dysplasia type II (FCORD2). Also called: CORTICAL DYSPLASIA OF TAYLOR; Focal cortical dysplasia type II. Identifiers: Orphanet 268994, MedGen C1846385, MONDO:0011818, OMIM 607341, HP:0032051.

Allele frequency attached by ClinVar (database versions not stated): gnomAD 0.00002; TOPMed 0.00003; gnomAD exomes 0.00005 and 0.00009; ESP Exome Variant Server 0.00008; ExAC 0.00010.
gnomAD v4.1: 76 of 1,613,018 alleles (0.0047%); highest among the groups gnomAD compares: Middle Eastern, 0.053%; no homozygotes.

Submissions (3):

Illumina Laboratory Services, Illumina
Classification: Likely benign for Tuberous sclerosis 1. Last evaluated: 2018-01-13. Review status: criteria provided, single submitter. Criteria: ICSL Variant Classification Criteria 13 December 2019. Collection method: clinical testing. Allele origin: germline.
Comment: This variant was observed in the ICSL laboratory as part of a predisposition screen in an ostensibly healthy population. It had not been previously curated by ICSL or reported in the Human Gene Mutation Database (HGMD: prior to June 1st, 2018), and was therefore a candidate for classification through an automated scoring system. Utilizing variant allele frequency, disease prevalence and penetrance estimates, and inheritance mode, an automated score was calculated to assess if this variant is too frequent to cause the disease. Based on the score and internal cut-off values, a variant classified as likely benign is not then subjected to further curation. The score for this variant resulted in a classification of likely benign for this disease.

Illumina Laboratory Services, Illumina
Classification: Benign for Isolated focal cortical dysplasia type II. Last evaluated: 2018-01-13. Review status: criteria provided, single submitter. Criteria: ICSL Variant Classification Criteria 13 December 2019. Collection method: clinical testing. Allele origin: germline.
Comment: This variant was observed in the ICSL laboratory as part of a predisposition screen in an ostensibly healthy population. It had not been previously curated by ICSL or reported in the Human Gene Mutation Database (HGMD: prior to June 1st, 2018), and was therefore a candidate for classification through an automated scoring system. Utilizing variant allele frequency, disease prevalence and penetrance estimates, and inheritance mode, an automated score was calculated to assess if this variant is too frequent to cause the disease. Based on the score and internal cut-off values, a variant classified as benign is not then subjected to further curation. The score for this variant resulted in a classification of benign for this disease.

GeneDx
Classification: Likely benign. Last evaluated: 2017-01-03. Review status: criteria provided, single submitter. Criteria: GeneDx Variant Classification (06012015). Collection method: clinical testing. Allele origin: germline. Affected: yes.
Comment: This variant is considered likely benign or benign based on one or more of the following criteria: it is a conservative change, it occurs at a poorly conserved position in the protein, it is predicted to be benign by multiple in silico algorithms, and/or has population frequency not consistent with disease.

NM_000368.5(TSC1):c.-35G>A

Gene: TSC1 (TSC complex subunit 1; minus strand). Cytogenetic location: 9q34.13.
Variant type: single nucleotide variant.
Coding change: c.-35G>A on transcript NM_000368.5 (MANE Select); 35 bases upstream of the start codon, G replaced by A.
Molecular consequence: 5 prime UTR variant.
Genome position (GRCh38, 1-based): chr9:132,928,907, C>T on the plus strand (G>A on the coding strand, the complement: TSC1 is on the minus strand). VCF-style: chr9-132928907-C-T. GRCh37 (hg19) VCF-style: chr9-135804294-C-T.
Other names: c.-35G>A (NM_001162426.2, NM_001162427.2); c.-294G>A (NM_001362177.2).
Identifiers: ClinVar variation 365520 (VCV000365520.5), dbSNP rs370122384, ClinGen allele CA037185.